The following is an entry in ClinVar:

ClinVar aggregate classification (germline): Uncertain significance (1 of 4 stars; one submission).

Conditions:
DNMT1-related disorder. Also called: DNMT1-related condition. Identifiers: MedGen CN381527.

Submission:

PreventionGenetics, part of Exact Sciences
Classification: Uncertain significance for DNMT1-related condition. Last evaluated: 2026-02-16. Review status: criteria provided, single submitter. Criteria: ACMG Guidelines, 2015. Collection method: clinical testing. Allele origin: germline.
Comment: The DNMT1 c.281A>G variant is predicted to result in the amino acid substitution p.Asn94Ser. To our knowledge, this variant has not been reported in the literature or in a large population database (gnomAD), indicating this variant is rare. At this time, the clinical significance of this variant is uncertain due to the absence of conclusive functional and genetic evidence.

NM_001130823.3(DNMT1):c.281A>G (p.Asn94Ser)

Gene: DNMT1 (DNA methyltransferase 1; minus strand). Cytogenetic location: 19p13.2.
Variant type: single nucleotide variant.
Coding change: c.281A>G on transcript NM_001130823.3 (MANE Select); coding-DNA position 281, A replaced by G.
Protein change: p.Asn94Ser; replaces asparagine 94 with serine.
Molecular consequence: missense variant. On other transcripts: 5 prime UTR variant (1).
Genome position (GRCh38, 1-based): chr19:10,180,514, T>C on the plus strand (A>G on the coding strand, the complement: DNMT1 is on the minus strand). VCF-style: chr19-10180514-T-C. GRCh37 (hg19) VCF-style: chr19-10291190-T-C.
Other names: c.281A>G, p.Asn94Ser (NM_001318730.2, NM_001379.4); c.-83A>G (NM_001318731.2); short protein forms N94S.
Identifiers: ClinVar variation 4993174 (VCV004993174.1).
Genomic context (GRCh38, chr19:10,180,514, plus strand): 5'-CTTGCTTGGTTCCCGTTTTCTAGACGTCCATTCACTTCCCGGTTGTAAGCATGAGCACCG[T>C]TCTCCAAGGACAAATCTTTATTTAAAAGGGATTTGACTTTAGCCAGGTAGCCCTCCTACA-3'
Protein context (NP_001124295.1, residues 84-104): SLLNKDLSLE[Asn94Ser]GAHAYNREVN